The following is an entry in ClinVar:

NM_001101362.3(KBTBD13):c.1136_1149delinsCGT (p.Trp379fs)

Gene: KBTBD13 (kelch repeat and BTB domain containing 13; plus strand). Cytogenetic location: 15q22.31.
Variant type: Indel.
Coding change: c.1136_1149delinsCGT on transcript NM_001101362.3 (MANE Select); coding-DNA positions 1136 to 1149, GGACGGCGCTGCCC replaced by CGT.
Protein change: p.Trp379fs; shifts the reading frame from tryptophan 379.
Molecular consequence: frameshift variant.
Genome position (GRCh38, 1-based): chr15:65,077,951-65,077,964, GGACGGCGCTGCCC replaced by CGT. VCF-style: chr15-65077951-GGACGGCGCTGCCC-CGT. GRCh37 (hg19) VCF-style: chr15-65370289-GGACGGCGCTGCCC-CGT.
Other names: c.1135_1149delinsTCGT (NM_001101362.3); short protein forms W379fs.
Identifiers: ClinVar variation 4884822 (VCV004884822.1).

ClinVar aggregate classification (germline): Likely pathogenic (0 of 4 stars; one submission).

Conditions:
Nemaline myopathy 6 (NEM6). Also called: Nemaline myopathy 6, autosomal dominant. Identifiers: Orphanet 171439, MedGen C1836472, MONDO:0012237, OMIM 609273.

Submission:

Hong-Tao Li Lab, Institute of Brain Science and Brain-inspired Research, Shandong First Medical University & Shandong Academy of Medical Sciences China
Classification: Likely pathogenic for Nemaline myopathy 6. Review status: no assertion criteria provided. Collection method: research. Allele origin: germline. Inheritance: Autosomal dominant inheritance. Affected: yes. Observed: 1 variant allele, 1 heterozygote.
Comment: Observed in affected individuals from a Pakistani neurodevelopmental-disorder research cohort of 263 individuals. Classification assigned using the ACMG/AMP framework.